The following is an entry in ClinVar:

NM_054021.2(GPR101):c.1136G>C (p.Ser379Thr)

Gene: GPR101 (G protein-coupled receptor 101; minus strand). Cytogenetic location: Xq26.3.
Variant type: single nucleotide variant.
Coding change: c.1136G>C on transcript NM_054021.2 (MANE Select); coding-DNA position 1136, G replaced by C.
Protein change: p.Ser379Thr; replaces serine 379 with threonine.
Molecular consequence: missense variant.
Genome position (GRCh38, 1-based): chrX:137,030,539, C>G on the plus strand (G>C on the coding strand, the complement: GPR101 is on the minus strand). VCF-style: chrX-137030539-C-G. GRCh37 (hg19) VCF-style: chrX-136112698-C-G.
Other names: short protein forms S379T.
Identifiers: ClinVar variation 2699970 (VCV002699970.3), dbSNP rs889126954, ClinGen allele CA414766433.
Genomic context (GRCh38, chrX:137,030,539, plus strand): 5'-TTAGCAGCTTTGCACTGGTAGCACCTGGGCAGAGGAGGGTTGCTGTTGCTGTTACGACGA[C>G]TGGGTGGGAGGCTCTCCGGGATGTTCACTGCCTCGACGTCATCCTCACTGAAATTGATGT-3'
Protein context (NP_473362.1, residues 369-389): AVNIPESLPP[Ser379Thr]RRNSNSNPPL

ClinVar aggregate classification (germline): Uncertain significance (1 of 4 stars; one submission).

Submission:

Labcorp Genetics (formerly Invitae), Labcorp
Classification: Uncertain significance. Last evaluated: 2024-02-20. Review status: criteria provided, single submitter. Criteria: Invitae Variant Classification Sherloc (09022015). Collection method: clinical testing. Allele origin: germline.
Comment: This sequence change replaces serine, which is neutral and polar, with threonine, which is neutral and polar, at codon 379 of the GPR101 protein (p.Ser379Thr). This variant is not present in population databases (gnomAD no frequency). This variant has not been reported in the literature in individuals affected with GPR101-related conditions. An algorithm developed to predict the effect of missense changes on protein structure and function (PolyPhen-2) suggests that this variant is likely to be disruptive. In summary, the available evidence is currently insufficient to determine the role of this variant in disease. Therefore, it has been classified as a Variant of Uncertain Significance.